The following is an entry in ClinVar:

NM_001211.6(BUB1B):c.2461C>G (p.His821Asp)

Gene: BUB1B (BUB1 mitotic checkpoint serine/threonine kinase B; plus strand). Cytogenetic location: 15q15.1.
Variant type: single nucleotide variant.
Coding change: c.2461C>G on transcript NM_001211.6 (MANE Select); coding-DNA position 2461, C replaced by G.
Protein change: p.His821Asp; replaces histidine 821 with aspartic acid.
Molecular consequence: missense variant.
Genome position (GRCh38, 1-based): chr15:40,212,574, C>G. VCF-style: chr15-40212574-C-G. GRCh37 (hg19) VCF-style: chr15-40504775-C-G.
Other names: short protein forms H821D.
Identifiers: ClinVar variation 3221391 (VCV003221391.1), dbSNP rs770807071, ClinGen allele CA391695292.
Genomic context (GRCh38, chr15:40,212,574, plus strand): 5'-GTCCCATGGGACTTTTATATCAACCTCAAGTTAAAGGAACGTTTAAATGAAGATTTTGAT[C>G]ATTTTTGCAGCTGTTATCAATATCAAGATGGCTGTATTGTTTGGCACCAATATATAAACT-3'
Protein context (NP_001202.5, residues 811-831): LKERLNEDFD[His821Asp]FCSCYQYQDG

ClinVar aggregate classification (germline): Uncertain significance (1 of 4 stars; one submission).

Conditions:
Inborn genetic diseases. Identifiers: MedGen C0950123, MeSH D030342.

Submission:

Ambry Genetics
Classification: Uncertain significance for Inborn genetic diseases. Last evaluated: 2023-12-31. Review status: criteria provided, single submitter. Criteria: Ambry Variant Classification Scheme 2023. Collection method: clinical testing. Allele origin: germline.
Comment: The p.H821D variant (also known as c.2461C>G), located in coding exon 19 of the BUB1B gene, results from a C to G substitution at nucleotide position 2461. The histidine at codon 821 is replaced by aspartic acid, an amino acid with similar properties. This amino acid position is conserved. In addition, this alteration is predicted to be tolerated by in silico analysis. Since supporting evidence is limited at this time, the clinical significance of this alteration remains unclear.